The following is an entry in ClinVar:

NM_014236.4(GNPAT):c.1056-161T>C

Gene: GNPAT (glyceronephosphate O-acyltransferase; plus strand). Cytogenetic location: 1q42.2.
Variant type: single nucleotide variant.
Coding change: c.1056-161T>C on transcript NM_014236.4 (MANE Select); 161 bases into the intron before coding-DNA position 1056, T replaced by C.
Molecular consequence: intron variant.
Genome position (GRCh38, 1-based): chr1:231,267,519, T>C. VCF-style: chr1-231267519-T-C. GRCh37 (hg19) VCF-style: chr1-231403265-T-C.
Other names: c.873-161T>C (NM_001316350.2).
Identifiers: ClinVar variation 671169 (VCV000671169.1), dbSNP rs474297, ClinGen allele CA10945678.

ClinVar aggregate classification (germline): Benign (1 of 4 stars; one submission).

Allele frequency attached by ClinVar (database versions not stated): gnomAD 0.54318 and 0.54687; TOPMed 0.55856; 1000 Genomes Project 30x 0.57464; 1000 Genomes Project 0.57628.
gnomAD v4.1: 83,031 of 151,930 alleles (55%); highest among the groups gnomAD compares: East Asian, 62%; 22,859 homozygotes.

Submission:

GeneDx
Classification: Benign. Last evaluated: 2018-06-14. Review status: criteria provided, single submitter. Criteria: GeneDx Variant Classification (06012015). Collection method: clinical testing. Allele origin: germline. Affected: yes.
Comment: This variant is considered likely benign or benign based on one or more of the following criteria: it is a conservative change, it occurs at a poorly conserved position in the protein, it is predicted to be benign by multiple in silico algorithms, and/or has population frequency not consistent with disease.